The following is an entry in ClinVar:

NM_017654.4(SAMD9):c.628G>T (p.Asp210Tyr)

Gene: SAMD9 (sterile alpha motif domain containing 9; minus strand). Cytogenetic location: 7q21.2.
Variant type: single nucleotide variant.
Coding change: c.628G>T on transcript NM_017654.4 (MANE Select); coding-DNA position 628, G replaced by T.
Protein change: p.Asp210Tyr; replaces aspartic acid 210 with tyrosine.
Molecular consequence: missense variant.
Genome position (GRCh38, 1-based): chr7:93,105,470, C>A on the plus strand (G>T on the coding strand, the complement: SAMD9 is on the minus strand). VCF-style: chr7-93105470-C-A. GRCh37 (hg19) VCF-style: chr7-92734783-C-A.
Other names: c.628G>T, p.Asp210Tyr (NM_001193307.2); short protein forms D210Y.
Identifiers: ClinVar variation 3792046 (VCV003792046.1).

ClinVar aggregate classification (germline): Uncertain significance (1 of 4 stars; one submission).

Conditions:
Inborn genetic diseases. Identifiers: MedGen C0950123, MeSH D030342.

Submission:

Ambry Genetics
Classification: Uncertain significance for Inborn genetic diseases. Last evaluated: 2025-02-03. Review status: criteria provided, single submitter. Criteria: Ambry Variant Classification Scheme 2023. Collection method: clinical testing. Allele origin: germline.
Comment: The p.D210Y variant (also known as c.628G>T), located in coding exon 1 of the SAMD9 gene, results from a G to T substitution at nucleotide position 628. The aspartic acid at codon 210 is replaced by tyrosine, an amino acid with highly dissimilar properties. This amino acid position is conserved. In addition, this alteration is predicted to be tolerated by in silico analysis. Based on the available evidence, the clinical significance of this variant remains unclear.